The following is an entry in ClinVar:

NM_006885.4(ZFHX3):c.10558GGC[6] (p.Gly3526_Gly3527del)

Genes: ZFHX3 (zinc finger homeobox 3; minus strand), ZFHX3-AS1 (ZFHX3 antisense RNA 1; plus strand). Cytogenetic location: 16q22.2.
Variant type: Microsatellite.
Coding change: c.10558GGC[6] on transcript NM_006885.4 (MANE Select); six copies in a row of the 3-base unit GGC starting at c.10558; the reference has eight copies in a row; two copies, 6 bases deleted.
Protein change: p.Gly3526_Gly3527del.
Genome position (GRCh38, 1-based): chr16:72,787,695-72,787,700, GCCGCC deleted on the plus strand (GGCGGC on the coding strand, the reverse complement: ZFHX3 is on the minus strand); deleting any 6 consecutive bases within chr16:72,787,695-72,787,718 gives the same sequence; the position shown is the placement nearest the transcript's 3' end. VCF-style (leftmost placement, unchanged base first): chr16-72787694-AGCCGCC-A. GRCh37 (hg19) VCF-style: chr16-72821593-AGCCGCC-A.
Other names: c.7816GGC[6], p.Gly2612_Gly2613del (NM_001164766.2); c.10558GGC[6], p.Gly3526_Gly3527del (NM_001386735.1).
Identifiers: ClinVar variation 3034404 (VCV003034404.9), dbSNP rs374416547, ClinGen allele CA8162365.
Genomic context (GRCh38, chr16:72,787,694, plus strand): 5'-GATGTTGACTCAGAGCTTCCTCCCCACAGAGCGCGCTCTCGCACGCCAGGCAGTGGTACG[AGCCGCC>A]GCCGCCGCCGCCGCCGCCACCGCCGCCGCCGCCGCCACTGCCACCGCCGCCGCCGCCGGT-3'

ClinVar aggregate classification (germline): Benign/Likely benign. Review status: criteria provided, multiple submitters, no conflicts (2 of 4 stars). 3 submissions from 3 submitters: Benign (1); Likely benign (1). 1 of the submissions does not count toward it. Last evaluated 2026-09-01.

Conditions:
ZFHX3-related disorder. Also called: ZFHX3-related condition.

Submissions (3):

CeGaT Center for Human Genetics Tuebingen
Classification: Benign. Last evaluated: 2026-09-01. Review status: criteria provided, single submitter. Criteria: CeGaT Center For Human Genetics Tuebingen Variant Classification Criteria Version 2. Collection method: clinical testing. Allele origin: germline. Affected: yes. Observed: 11 variant alleles.
Comment: ZFHX3: BS1, BS2

Blueprint Genetics
Classification: Likely benign. Last evaluated: 2024-11-25. Review status: criteria provided, single submitter. Criteria: ACMG Guidelines, 2015. Collection method: clinical testing. Allele origin: germline.

PreventionGenetics, part of Exact Sciences
Classification: Benign for ZFHX3-related condition. Last evaluated: 2019-09-10. Review status: no assertion criteria provided. Collection method: clinical testing. Allele origin: germline. Not counted in ClinVar's aggregate classification.
Comment: This variant is classified as benign based on ACMG/AMP sequence variant interpretation guidelines (Richards et al. 2015 PMID: 25741868, with internal and published modifications).